The following is an entry in ClinVar:

ClinVar aggregate classification (germline): Uncertain significance (1 of 4 stars; one submission).

Conditions:
Hereditary cancer-predisposing syndrome. Also called: Neoplastic Syndromes, Hereditary; Tumor predisposition; Hereditary neoplastic syndrome; Hereditary Cancer Syndrome. Identifiers: Orphanet 140162, MedGen C0027672, MeSH D009386, MONDO:0015356.

Submission:

Ambry Genetics
Classification: Uncertain significance for Hereditary cancer-predisposing syndrome. Last evaluated: 2026-07-06. Review status: criteria provided, single submitter. Criteria: Ambry Variant Classification Scheme 2023. Collection method: clinical testing. Allele origin: germline.
Comment: The p.V280D variant (also known as c.839T>A), located in coding exon 2 of the AXIN2 gene, results from a T to A substitution at nucleotide position 839. The valine at codon 280 is replaced by aspartic acid, an amino acid with highly dissimilar properties. This amino acid position is conserved. In addition, the in silico prediction for this alteration is inconclusive. Based on the available evidence, the clinical significance of this variant remains unclear.

NM_004655.4(AXIN2):c.839T>A (p.Val280Asp)

Gene: AXIN2 (axin 2; minus strand). Cytogenetic location: 17q24.1.
Variant type: single nucleotide variant.
Coding change: c.839T>A on transcript NM_004655.4 (MANE Select); coding-DNA position 839, T replaced by A.
Protein change: p.Val280Asp; replaces valine 280 with aspartic acid.
Molecular consequence: missense variant.
Genome position (GRCh38, 1-based): chr17:65,549,637, A>T on the plus strand (T>A on the coding strand, the complement: AXIN2 is on the minus strand). VCF-style: chr17-65549637-A-T. GRCh37 (hg19) VCF-style: chr17-63545755-A-T.
Other names: c.839T>A, p.Val280Asp (NM_001363813.1); short protein forms V280D.
Identifiers: ClinVar variation 5032584 (VCV005032584.1).